The following is an entry in ClinVar:

NM_001367624.2(ZNF469):c.8212G>A (p.Ala2738Thr)

Gene: ZNF469 (zinc finger protein 469; plus strand). Cytogenetic location: 16q24.2.
Variant type: single nucleotide variant.
Coding change: c.8212G>A on transcript NM_001367624.2 (MANE Select); coding-DNA position 8212, G replaced by A.
Protein change: p.Ala2738Thr; replaces alanine 2738 with threonine.
Molecular consequence: missense variant.
Genome position (GRCh38, 1-based): chr16:88,435,682, G>A. VCF-style: chr16-88435682-G-A. GRCh37 (hg19) VCF-style: chr16-88502090-G-A.
Other names: NM_001127464.1:c.8128G>A; NM_001127464.2:c.8128G>A; p.Ala2738Thr; short protein forms A2738T.
Identifiers: ClinVar variation 320984 (VCV000320984.22), dbSNP rs3812955, ClinGen allele CA8225315.

ClinVar aggregate classification (germline): Benign/Likely benign. Review status: criteria provided, multiple submitters, no conflicts (2 of 4 stars). 9 submissions from 9 submitters: Benign (6); Likely benign (3). Last evaluated 2026-02-04.

Conditions:
Brittle cornea syndrome 1 (BCS1). Also called: DYSGENESIS MESODERMALIS CORNEAE ET SCLERAE; CORNEAL FRAGILITY, KERATOGLOBUS, BLUE SCLERAE, JOINT HYPEREXTENSIBILITY; EDS6B; FRAGILITAS OCULI WITH JOINT HYPEREXTENSIBILITY; Corneal fragility keratoglobus, blue sclerae AND joint hypermobility. Identifiers: Orphanet 90354, MedGen C0268344, MONDO:0024543, OMIM 229200.
Cardiovascular phenotype. Identifiers: MedGen CN230736.
Ehlers-Danlos syndrome (EDS). Identifiers: Orphanet 98249, MedGen C0013720, MONDO:0020066.

Allele frequency attached by ClinVar (database versions not stated): 1000 Genomes Project 0.03654; ExAC 0.02040; ESP Exome Variant Server 0.02584; TOPMed 0.02782; gnomAD 0.02856 and 0.02902; 1000 Genomes Project 30x 0.03623.
gnomAD v4.1: 22,496 of 1,550,578 alleles (1.5%); highest among the groups gnomAD compares: African/African-American, 6.5%; 343 homozygotes.

Submissions (9):

Labcorp Genetics (formerly Invitae), Labcorp
Classification: Benign. Last evaluated: 2026-02-04. Review status: criteria provided, single submitter. Criteria: Invitae Variant Classification Sherloc (09022015). Collection method: clinical testing. Allele origin: germline.

Women's Health and Genetics/Laboratory Corporation of America, LabCorp
Classification: Likely benign. Last evaluated: 2026-01-21. Review status: criteria provided, single submitter. Criteria: LabCorp Variant Classification Summary - May 2015. Collection method: clinical testing. Allele origin: germline.

Blueprint Genetics
Classification: Likely benign. Last evaluated: 2024-11-27. Review status: criteria provided, single submitter. Criteria: ACMG Guidelines, 2015. Collection method: clinical testing. Allele origin: germline.

Mayo Clinic Laboratories, Mayo Clinic
Classification: Benign. Last evaluated: 2023-02-06. Review status: criteria provided, single submitter. Criteria: ACMG Guidelines, 2015. Collection method: clinical testing. Allele origin: germline. Observed: 68 variant alleles.

Genome Diagnostics Laboratory, The Hospital for Sick Children
Classification: Benign for Ehlers-Danlos syndrome. Last evaluated: 2022-03-03. Review status: criteria provided, single submitter. Criteria: ACMG Guidelines, 2015. Collection method: clinical testing. Allele origin: germline.

Genome-Nilou Lab
Classification: Benign for Brittle cornea syndrome 1. Last evaluated: 2021-12-05. Review status: criteria provided, single submitter. Criteria: ACMG Guidelines, 2015. Collection method: clinical testing. Allele origin: germline. Affected: no.

Ambry Genetics
Classification: Benign for Cardiovascular phenotype. Last evaluated: 2019-03-01. Review status: criteria provided, single submitter. Criteria: Ambry Variant Classification Scheme 2023. Collection method: clinical testing. Allele origin: germline.

GeneDx
Classification: Benign. Last evaluated: 2016-10-30. Review status: criteria provided, single submitter. Criteria: GeneDx Variant Classification (06012015). Collection method: clinical testing. Allele origin: germline. Affected: yes.
Comment: This variant is considered likely benign or benign based on one or more of the following criteria: it is a conservative change, it occurs at a poorly conserved position in the protein, it is predicted to be benign by multiple in silico algorithms, and/or has population frequency not consistent with disease.

Breakthrough Genomics
Classification: Likely benign. Review status: criteria provided, single submitter. Criteria: ACMG Guidelines, 2015. Collection method: not provided. Allele origin: germline. Inheritance: Autosomal recessive inheritance. Affected: yes.